The following is an entry in ClinVar:

ClinVar aggregate classification (germline): Uncertain significance (1 of 4 stars; one submission).

Submission:

GeneDx
Classification: Uncertain significance. Last evaluated: 2022-10-03. Review status: criteria provided, single submitter. Criteria: GeneDx Variant Classification Process June 2021. Collection method: clinical testing. Allele origin: germline. Affected: yes.
Comment: Not observed at significant frequency in large population cohorts (gnomAD); Frameshift variant predicted to result in protein truncation or nonsense mediated decay in a gene or region of a gene for which loss of function is not a well-established mechanism of disease; Has not been previously published as pathogenic or benign to our knowledge

NM_001378974.1(FBXW11):c.676del (p.Tyr226fs)

Gene: FBXW11 (F-box and WD repeat domain containing 11; minus strand). Cytogenetic location: 5q35.1.
Variant type: Deletion.
Coding change: c.676del on transcript NM_001378974.1 (MANE Select); coding-DNA position 676, one base deleted (T; older notation c.676delT).
Protein change: p.Tyr226fs; shifts the reading frame from tyrosine 226.
Molecular consequence: frameshift variant.
Genome position (GRCh38, 1-based): chr5:171,899,042, A deleted on the plus strand (T on the coding strand, the reverse complement: FBXW11 is on the minus strand); the first of 4 consecutive A bases (chr5:171,899,042-171,899,045); deleting any one gives the same sequence. VCF-style (leftmost placement, unchanged base first): chr5-171899041-TA-T. GRCh37 (hg19) VCF-style: chr5-171326045-TA-T.
Other names: c.607del, p.Tyr203fs (NM_001378975.1); c.580del, p.Tyr194fs (NM_001378976.1); c.517del, p.Tyr173fs (NM_001378977.1, NM_001378978.1, NM_001378979.1); c.511del, p.Tyr171fs (NM_001378980.1, NM_033645.3); c.613del, p.Tyr205fs (NM_012300.3); c.574del, p.Tyr192fs (NM_033644.3); short protein forms Y171fs, Y173fs, Y192fs, Y194fs, Y203fs, Y205fs, Y226fs.
Identifiers: ClinVar variation 2446604 (VCV002446604.1), dbSNP rs2480265060, ClinGen allele CA2578484342.